The following is an entry in ClinVar:

ClinVar aggregate classification (germline): Uncertain significance. Review status: criteria provided, multiple submitters, no conflicts (2 of 4 stars). 2 submissions from 2 submitters: Uncertain significance (2). Last evaluated 2025-12-30.

Conditions:
Hereditary cancer-predisposing syndrome. Also called: Tumor predisposition; Neoplastic Syndromes, Hereditary; Hereditary Cancer Syndrome; Hereditary neoplastic syndrome. Identifiers: Orphanet 140162, MedGen C0027672, MeSH D009386, MONDO:0015356.

Submissions (2):

Ambry Genetics
Classification: Uncertain significance for Hereditary cancer-predisposing syndrome. Last evaluated: 2025-12-30. Review status: criteria provided, single submitter. Criteria: Ambry Variant Classification Scheme 2023. Collection method: clinical testing. Allele origin: germline.
Comment: The p.K1232M variant (also known as c.3695A>T), located in coding exon 30 of the POLE gene, results from an A to T substitution at nucleotide position 3695. The lysine at codon 1232 is replaced by methionine, an amino acid with similar properties. This amino acid position is conserved. In addition, this alteration is predicted to be tolerated by in silico analysis. Based on the available evidence, the clinical significance of this variant remains unclear.

Labcorp Genetics (formerly Invitae), Labcorp
Classification: Uncertain significance. Last evaluated: 2023-08-01. Review status: criteria provided, single submitter. Criteria: Invitae Variant Classification Sherloc (09022015). Collection method: clinical testing. Allele origin: germline.
Comment: In summary, the available evidence is currently insufficient to determine the role of this variant in disease. Therefore, it has been classified as a Variant of Uncertain Significance. Advanced modeling of protein sequence and biophysical properties (such as structural, functional, and spatial information, amino acid conservation, physicochemical variation, residue mobility, and thermodynamic stability) performed at Invitae indicates that this missense variant is not expected to disrupt POLE protein function. This variant has not been reported in the literature in individuals affected with POLE-related conditions. This variant is not present in population databases (gnomAD no frequency). This sequence change replaces lysine, which is basic and polar, with methionine, which is neutral and non-polar, at codon 1232 of the POLE protein (p.Lys1232Met).

NM_006231.4(POLE):c.3695A>T (p.Lys1232Met)

Gene: POLE (DNA polymerase epsilon, catalytic subunit; minus strand). Cytogenetic location: 12q24.33.
Variant type: single nucleotide variant.
Coding change: c.3695A>T on transcript NM_006231.4 (MANE Select); coding-DNA position 3695, A replaced by T.
Protein change: p.Lys1232Met; replaces lysine 1232 with methionine.
Molecular consequence: missense variant.
Genome position (GRCh38, 1-based): chr12:132,649,777, T>A on the plus strand (A>T on the coding strand, the complement: POLE is on the minus strand). VCF-style: chr12-132649777-T-A. GRCh37 (hg19) VCF-style: chr12-133226363-T-A.
Other names: c.3695A>T (NM_006231.2); short protein forms K1232M.
Identifiers: ClinVar variation 2898008 (VCV002898008.4), dbSNP rs774999422, ClinGen allele CA387386533.